The following is an entry in ClinVar:

ClinVar aggregate classification (germline): Conflicting classifications of pathogenicity. Review status: criteria provided, conflicting classifications (1 of 4 stars). 3 submissions from 3 submitters: Uncertain significance (2); Likely benign (1). Last evaluated 2025-03-13.

Conditions:
Ehlers-Danlos syndrome, classic type, 1 (EDSCL1). Also called: EDS I; Ehlers-Danlos syndrome, type 1; EHLERS-DANLOS SYNDROME, GRAVIS TYPE; EHLERS-DANLOS SYNDROME, SEVERE CLASSIC TYPE; Ehlers-Danlos Syndrome, Classic Type, COL5A1-Related. Identifiers: MedGen C0268335, MONDO:0019567, OMIM 130000.
Familial thoracic aortic aneurysm and aortic dissection (TAAD). Also called: Thoracic aortic aneurysms and dissections. Identifiers: Orphanet 91387, MedGen C4707243, MONDO:0019625.

Allele frequency attached by ClinVar (database versions not stated): TOPMed below 0.00001.
gnomAD v4.1: 1 of 1,614,212 alleles (0.000062%); highest among the groups gnomAD compares: Non-Finnish European, 0.000085%; no homozygotes.

Submissions (3):

Ambry Genetics
Classification: Uncertain significance for Familial thoracic aortic aneurysm and aortic dissection. Last evaluated: 2025-03-13. Review status: criteria provided, single submitter. Criteria: Ambry Variant Classification Scheme 2023. Collection method: clinical testing. Allele origin: germline.
Comment: The p.Y357F variant (also known as c.1070A>T), located in coding exon 7 of the COL5A1 gene, results from an A to T substitution at nucleotide position 1070. The tyrosine at codon 357 is replaced by phenylalanine, an amino acid with highly similar properties. This amino acid position is highly conserved in available vertebrate species. In addition, the in silico prediction for this alteration is inconclusive. Based on the available evidence, the clinical significance of this variant remains unclear.

Labcorp Genetics (formerly Invitae), Labcorp
Classification: Likely benign for Ehlers-Danlos syndrome, classic type, 1. Last evaluated: 2024-01-14. Review status: criteria provided, single submitter. Criteria: Invitae Variant Classification Sherloc (09022015). Collection method: clinical testing. Allele origin: germline.

GeneDx
Classification: Uncertain significance. Last evaluated: 2022-04-20. Review status: criteria provided, single submitter. Criteria: GeneDx Variant Classification Process June 2021. Collection method: clinical testing. Allele origin: germline. Affected: yes.
Comment: Has not been previously published as pathogenic or benign to our knowledge; Not observed at significant frequency in large population cohorts (gnomAD); In silico analysis supports that this missense variant does not alter protein structure/function; Not located in the triple helical region, where the majority of pathogenic missense variants occur (Symoens et al., 2012; HGMD)

NM_000093.5(COL5A1):c.1070A>T (p.Tyr357Phe)

Gene: COL5A1 (collagen type V alpha 1 chain; plus strand). Cytogenetic location: 9q34.3.
Variant type: single nucleotide variant.
Coding change: c.1070A>T on transcript NM_000093.5 (MANE Select); coding-DNA position 1070, A replaced by T.
Protein change: p.Tyr357Phe; replaces tyrosine 357 with phenylalanine.
Molecular consequence: missense variant.
Genome position (GRCh38, 1-based): chr9:134,730,381, A>T. VCF-style: chr9-134730381-A-T. GRCh37 (hg19) VCF-style: chr9-137622227-A-T.
Other names: c.1070A>T, p.Tyr357Phe (NM_001278074.1); short protein forms Y357F.
Identifiers: ClinVar variation 1712123 (VCV001712123.6), dbSNP rs1424409859, ClinGen allele CA375449827.